The following is an entry in ClinVar:

ClinVar aggregate classification (germline): Uncertain significance (1 of 4 stars; one submission).

Conditions:
Familial thoracic aortic aneurysm and aortic dissection (TAAD). Also called: Thoracic aortic aneurysms and dissections. Identifiers: Orphanet 91387, MedGen C4707243, MONDO:0019625.
Marfan syndrome (MFS). Also called: FBN1-Related Marfan Syndrome; Marfan syndrome type 1; Marfan's syndrome; Marfan syndrome, classic; MARFAN SYNDROME, TYPE I. Identifiers: Orphanet 284963, Orphanet 558, MedGen C0024796, MONDO:0007947, OMIM 154700.

Submission:

Labcorp Genetics (formerly Invitae), Labcorp
Classification: Uncertain significance for Marfan syndrome; Thoracic aortic aneurysm and aortic dissection. Last evaluated: 2018-06-11. Review status: criteria provided, single submitter. Criteria: Invitae Variant Classification Sherloc (09022015). Collection method: clinical testing. Allele origin: germline.
Comment: This variant results in a copy number gain of the genomic region encompassing exons 54-66 of the FBN1 gene. The 5' boundary is likely confined to intron 53. The 3' end of this event is unknown as it extends beyond the assayed region for this gene and therefore may encompass additional genes. As the precise location of this event is unknown, it may be in tandem or it may be located elsewhere in the genome. This variant has not been reported in the literature in individuals with FBN1-related disease. Experimental studies and prediction algorithms are not available for this variant, and the functional significance of the duplicated amino acid(s) is currently unknown. In summary, the available evidence is currently insufficient to determine the role of this variant in disease. Therefore, it has been classified as a Variant of Uncertain Significance.

NC_000015.9:g.(?_48703167)_(48726930_?)dup

Gene: FBN1 (fibrillin 1; minus strand). Cytogenetic location: 15q21.1.
Variant type: Duplication.
Identifiers: ClinVar variation 584144 (VCV000584144.1).